The following is an entry in ClinVar:

NC_000011.9:g.(?_64367819)_(64369023_?)del

Gene: SLC22A12 (solute carrier family 22 member 12; plus strand). Cytogenetic location: 11q13.1.
Variant type: Deletion.
Identifiers: ClinVar variation 1376824 (VCV001376824.5).

ClinVar aggregate classification (germline): Uncertain significance (1 of 4 stars; one submission).

Submission:

Labcorp Genetics (formerly Invitae), Labcorp
Classification: Uncertain significance. Last evaluated: 2021-08-12. Review status: criteria provided, single submitter. Criteria: Invitae Variant Classification Sherloc (09022015). Collection method: clinical testing. Allele origin: germline.
Comment: This variant is a gross deletion of the genomic region encompassing exon(s) 8-10 of the SLC22A12 gene, which includes the termination codon. This deletion extends beyond the assayed region for this gene and therefore may encompass additional genes. While this deletion is not anticipated to lead to nonsense mediated decay, it is expected to alter mRNA translation or result in a truncated protein product. This variant has not been reported in the literature in individuals affected with SLC22A12-related conditions. Experimental studies and prediction algorithms are not available or were not evaluated, and the functional significance of this variant is currently unknown. In summary, the available evidence is currently insufficient to determine the role of this variant in disease. Therefore, it has been classified as a Variant of Uncertain Significance.